The following is an entry in ClinVar:

NM_004006.3(DMD):c.4272A>C (p.Leu1424Phe)

Gene: DMD (dystrophin; minus strand). Cytogenetic location: Xp21.1.
Variant type: single nucleotide variant.
Coding change: c.4272A>C on transcript NM_004006.3 (MANE Select); coding-DNA position 4272, A replaced by C.
Protein change: p.Leu1424Phe; replaces leucine 1424 with phenylalanine.
Molecular consequence: missense variant.
Genome position (GRCh38, 1-based): chrX:32,390,143, T>G on the plus strand (A>C on the coding strand, the complement: DMD is on the minus strand). VCF-style: chrX-32390143-T-G. GRCh37 (hg19) VCF-style: chrX-32408260-T-G.
Other names: c.4248A>C, p.Leu1416Phe (NM_000109.4); c.4260A>C, p.Leu1420Phe (NM_004009.3); c.3903A>C, p.Leu1301Phe (NM_004010.3); c.249A>C, p.Leu83Phe (NM_004011.4); c.240A>C, p.Leu80Phe (NM_004012.4); short protein forms L1301F, L1416F, L1420F, L1424F, L80F, L83F.
Identifiers: ClinVar variation 4823636 (VCV004823636.4).
Genomic context (GRCh38, chrX:32,390,143, plus strand): 5'-AATCTGAGACAGGACTCTTTGGGCAGCCTCCTTCCCCTGATTATGTTTCTTCATTTCTTC[T>G]AAACTGATCTCATGACTTGTCAAATCAGATTGGATTTTCTGTTGGGAGGATAGCATTATT-3'
Protein context (NP_003997.2, residues 1414-1434): QSDLTSHEIS[Leu1424Phe]EEMKKHNQGK

ClinVar aggregate classification (germline): Uncertain significance (1 of 4 stars; one submission).

Submission:

CeGaT Center for Human Genetics Tuebingen
Classification: Uncertain significance. Last evaluated: 2026-03-01. Review status: criteria provided, single submitter. Criteria: CeGaT Center For Human Genetics Tuebingen Variant Classification Criteria Version 2. Collection method: clinical testing. Allele origin: germline. Affected: yes. Observed: 1 variant allele.
Comment: DMD: PM2